The following is an entry in ClinVar:

ClinVar aggregate classification (germline): Conflicting classifications of pathogenicity. Review status: criteria provided, conflicting classifications (1 of 4 stars). 12 submissions from 12 submitters: Uncertain significance (3); Likely benign (6). 3 of the submissions do not count toward it. Last evaluated 2025-12-10.

Conditions:
KCNE1-related disorder. Also called: KCNE1-related condition.
Cardiovascular phenotype. Identifiers: MedGen CN230736.
Familial long QT syndrome (RWS). Also called: Congenital long QT syndrome; VENTRICULAR FIBRILLATION WITH PROLONGED QT INTERVAL; Romano-Ward syndrome. Identifiers: Orphanet 768, MedGen C1141890, MONDO:0019171.
Long QT syndrome (LQTS). Identifiers: MedGen C0023976, MeSH D008133, MONDO:0002442. Disease mechanism: loss of function. Inheritance: Various modes of inheritance.
Jervell and Lange-Nielsen syndrome 2 (JLNS2). Identifiers: Orphanet 768, Orphanet 90647, MedGen C2676723, MONDO:0012871, OMIM 612347.

Allele frequency attached by ClinVar (database versions not stated): gnomAD 0.00007; ESP Exome Variant Server 0.00008; ExAC 0.00019; gnomAD exomes 0.00021 and 0.00023.
gnomAD v4.1: 192 of 908,414 alleles (0.021%); highest among the groups gnomAD compares: Middle Eastern, 0.12%; 10 homozygotes.

Submissions (13):

Labcorp Genetics (formerly Invitae), Labcorp
Classification: Likely benign for Long QT syndrome. Last evaluated: 2025-12-10. Review status: criteria provided, single submitter. Criteria: Invitae Variant Classification Sherloc (09022015). Collection method: clinical testing. Allele origin: germline.

Revvity Omics, Revvity
Classification: Uncertain significance. Last evaluated: 2025-04-29. Review status: criteria provided, single submitter. Criteria: ACMG Guidelines, 2015. Collection method: clinical testing. Allele origin: germline.

Blueprint Genetics
Classification: Likely benign. Last evaluated: 2024-11-26. Review status: criteria provided, single submitter. Criteria: ACMG Guidelines, 2015. Collection method: clinical testing. Allele origin: germline.

Women's Health and Genetics/Laboratory Corporation of America, LabCorp
Classification: Likely benign. Last evaluated: 2024-11-11. Review status: criteria provided, single submitter. Criteria: LabCorp Variant Classification Summary - May 2015. Collection method: clinical testing. Allele origin: germline.
Comment: Variant summary: KCNE1 c.29C>T (p.Thr10Met) results in a non-conservative amino acid change in the encoded protein sequence. Four of five in-silico tools predict a benign effect of the variant on protein function. The variant allele was found at a frequency of 0.00021 in 251218 control chromosomes, predominantly at a frequency of 0.00059 within the South Asian subpopulation in the gnomAD database. The observed variant frequency within South Asian control individuals in the gnomAD database is approximately 283 fold of the estimated maximal expected allele frequency for a pathogenic variant in KCNE1 causing Long QT Syndrome phenotype (2.1e-06). To our knowledge, no experimental evidence demonstrating its impact on protein function have been reported. ClinVar contains an entry for this variant (Variation ID: 132677). Based on the evidence outlined above, the variant was classified as likely benign.

Ambry Genetics
Classification: Likely benign for Cardiovascular phenotype. Last evaluated: 2022-04-04. Review status: criteria provided, single submitter. Criteria: Ambry Variant Classification Scheme 2023. Collection method: clinical testing. Allele origin: germline.

GeneDx
Classification: Likely benign. Last evaluated: 2021-04-28. Review status: criteria provided, single submitter. Criteria: GeneDx Variant Classification Process June 2021. Collection method: clinical testing. Allele origin: germline. Affected: yes.
Comment: This variant is associated with the following publications: (PMID: 26220970, 28988457, 25637381, 19716085, 23098067, 28472724, 23861362, 22581653, 31941373)

Biesecker Lab/Clinical Genomics Section, National Institutes of Health
Classification: Uncertain significance for Long QT syndrome. Last evaluated: 2018-04-05. Review status: criteria provided, single submitter. Criteria: ACMG Guidelines, 2015. Collection method: research. Allele origin: unknown. Affected: no. Observed: 1 variant allele.
Comment: The study set was not selected for affection status in relation to arrhythmia or cardiomyopathy. Pathogenicity categories were based on literature curation. See Pubmed ID:25741868 for details.

Medical sequencing

Illumina Laboratory Services, Illumina
Classification: Likely benign for Jervell and Lange-Nielsen syndrome 2. Last evaluated: 2017-04-27. Review status: criteria provided, single submitter. Criteria: ICSL Variant Classification Criteria 13 December 2019. Collection method: clinical testing. Allele origin: germline.
Comment: This variant was observed as part of a predisposition screen in an ostensibly healthy population. A literature search was performed for the gene, cDNA change, and amino acid change (where applicable). No publications were found based on this search. Allele frequency data from public databases allowed determination this variant is unlikely to cause disease. Therefore, this variant is classified as likely benign.

CSER _CC_NCGL, University of Washington
Classification: Uncertain significance for Long QT syndrome. Last evaluated: 2014-06-01. Review status: criteria provided, single submitter. Criteria: Amendola et al. (Genome Res. 2015). Collection method: research. Allele origin: germline. Inheritance: Autosomal dominant inheritance. Study: ESP 6500 variant annotation.
Comment: Low GERP score may suggest that this variant may belong in a lower pathogenicity class

Variants classified for the Actionable exomic incidental findings in 6503 participants: challenges of variant classification manuscript

PreventionGenetics, part of Exact Sciences
Classification: Uncertain significance for KCNE1-related condition. Last evaluated: 2024-05-01. Review status: no assertion criteria provided. Collection method: clinical testing. Allele origin: germline. Not counted in ClinVar's aggregate classification.
Comment: The KCNE1 c.29C>T variant is predicted to result in the amino acid substitution p.Thr10Met. This variant was reported in multiple individuals with long QT syndrome although in some studies it was reported as likely benign (Table S4, Kapplinger et al. 2009. PubMed ID: 19716085; Table S2, Di Resta et al. 2015. PubMed ID: 26220970; Table S4, Kaltman et al. 2017. PubMed ID: 28988457; Table S3, Roberts et al. 2020. PubMed ID: 31941373). This variant is reported in 0.059% of alleles in individuals of South Asian descent in gnomAD. This variant has conflicting interpretations in ClinVar of uncertain and likely benign. While we suspect this variant may be benign, at this time, the clinical significance of this variant is uncertain due to the absence of conclusive functional and genetic evidence.

Cardiovascular Biomedical Research Unit, Royal Brompton & Harefield NHS Foundation Trust
No classification provided. Condition: Familial long QT syndrome. Review status: no classification provided. Collection method: literature only. Allele origin: germline. Not counted in ClinVar's aggregate classification.
Comment: This variant has been reported as associated with Long QT syndrome in the following publications (PMID:19716085). This is a literature report, and does not necessarily reflect the clinical interpretation of the Imperial College / Royal Brompton Cardiovascular Genetics laboratory.

Clinical Genetics DNA and cytogenetics Diagnostics Lab, Erasmus MC, Erasmus Medical Center
Classification: Uncertain significance. Review status: no assertion criteria provided. Collection method: clinical testing. Allele origin: germline. Affected: yes. Study: VKGL Data-share Consensus. Not counted in ClinVar's aggregate classification.

Roden Lab, Vanderbilt University Medical Center
No classification provided (evidence only). Condition: Long QT syndrome 5. Review status: no classification provided. Collection method: in vitro. Allele origin: not applicable. Functional consequence: Effect on ion channel function. Not counted in ClinVar's aggregate classification.
ClinVar note: "not provided" was previously submitted as the classification for the variant. However, the classification appeared to be based only on an observation of functional data so it was converted to no classification on 2025-07-30.

Literature cited by the submitters: PubMed 19716085 (cited by Ambry Genetics and Cardiovascular Biomedical Research Unit, Royal Brompton & Harefield NHS Foundation Trust); PubMed 23098067 (cited by Ambry Genetics); PubMed 23861362 (cited by Ambry Genetics); PubMed 25637381 (cited by Ambry Genetics); PubMed 26220970 (cited by Ambry Genetics); PubMed 28472724 (cited by Ambry Genetics); PubMed 28988457 (cited by Ambry Genetics); PubMed 31941373 (cited by Ambry Genetics); PubMed 34426522 (cited by Ambry Genetics); PubMed 22581653 (cited by Cardiovascular Biomedical Research Unit, Royal Brompton & Harefield NHS Foundation Trust).

NM_000219.6(KCNE1):c.29C>T (p.Thr10Met)

Gene: KCNE1 (potassium voltage-gated channel subfamily E regulatory subunit 1; minus strand). Cytogenetic location: 21q22.12.
Variant type: single nucleotide variant.
Coding change: c.29C>T on transcript NM_000219.6 (MANE Select); coding-DNA position 29, C replaced by T.
Protein change: p.Thr10Met; replaces threonine 10 with methionine.
Molecular consequence: missense variant.
Genome position (GRCh38, 1-based): chr21:34,449,606, G>A on the plus strand (C>T on the coding strand, the complement: KCNE1 is on the minus strand). VCF-style: chr21-34449606-G-A. GRCh37 (hg19) VCF-style: chr21-35821904-G-A.
Other names: c.29C>T (LRG_290t1); c.29C>T, p.Thr10Met (NM_001127668.4, NM_001127669.4, NM_001127670.4 and 4 more transcripts); short protein forms T10M.
Identifiers: ClinVar variation 132677 (VCV000132677.30), dbSNP rs144917638, ClinGen allele CA211441.